The following is an entry in ClinVar:

ClinVar aggregate classification (germline): Uncertain significance. Review status: criteria provided, multiple submitters, no conflicts (2 of 4 stars). 2 submissions from 2 submitters: Uncertain significance (2). Last evaluated 2022-01-11.

Conditions:
Inborn genetic diseases. Identifiers: MedGen C0950123, MeSH D030342.

Allele frequency attached by ClinVar (database versions not stated): gnomAD exomes 0.00001 and 0.00005; ExAC 0.00002.

Submissions (2):

Labcorp Genetics (formerly Invitae), Labcorp
Classification: Uncertain significance. Last evaluated: 2022-01-11. Review status: criteria provided, single submitter. Criteria: Invitae Variant Classification Sherloc (09022015). Collection method: clinical testing. Allele origin: germline.
Comment: This sequence change replaces methionine, which is neutral and non-polar, with valine, which is neutral and non-polar, at codon 196 of the PHYH protein (p.Met196Val). This variant is present in population databases (rs760020856, gnomAD 0.03%), including at least one homozygous and/or hemizygous individual. This variant has not been reported in the literature in individuals affected with PHYH-related conditions. ClinVar contains an entry for this variant (Variation ID: 850831). Algorithms developed to predict the effect of missense changes on protein structure and function are either unavailable or do not agree on the potential impact of this missense change (SIFT: "Deleterious"; PolyPhen-2: "Possibly Damaging"; Align-GVGD: "Class C15"). In summary, the available evidence is currently insufficient to determine the role of this variant in disease. Therefore, it has been classified as a Variant of Uncertain Significance.

Ambry Genetics
Classification: Uncertain significance for Inborn genetic diseases. Last evaluated: 2021-10-27. Review status: criteria provided, single submitter. Criteria: Ambry Variant Classification Scheme 2023. Collection method: clinical testing. Allele origin: germline.

NM_006214.4(PHYH):c.586A>G (p.Met196Val)

Gene: PHYH (phytanoyl-CoA 2-hydroxylase; minus strand). Cytogenetic location: 10p13.
Variant type: single nucleotide variant.
Coding change: c.586A>G on transcript NM_006214.4 (MANE Select); coding-DNA position 586, A replaced by G.
Protein change: p.Met196Val; replaces methionine 196 with valine.
Molecular consequence: missense variant. On other transcripts: intron variant (1).
Genome position (GRCh38, 1-based): chr10:13,288,452, T>C on the plus strand (A>G on the coding strand, the complement: PHYH is on the minus strand). VCF-style: chr10-13288452-T-C. GRCh37 (hg19) VCF-style: chr10-13330452-T-C.
Other names: c.286A>G, p.Met96Val (NM_001037537.2, NM_001323080.2); c.592A>G, p.Met198Val (NM_001323082.2); c.292A>G, p.Met98Val (NM_001323084.2); c.415-4613A>G (NM_001323083.2); short protein forms M198V, M96V, M196V, M98V.
Identifiers: ClinVar variation 850831 (VCV000850831.7), dbSNP rs760020856, ClinGen allele CA5412307.